The following is an entry in ClinVar:

NM_000302.4(PLOD1):c.2176G>A (p.Asp726Asn)

Gene: PLOD1 (procollagen-lysine,2-oxoglutarate 5-dioxygenase 1; plus strand). Cytogenetic location: 1p36.22.
Variant type: single nucleotide variant.
Coding change: c.2176G>A on transcript NM_000302.4 (MANE Select); coding-DNA position 2176, G replaced by A.
Protein change: p.Asp726Asn; replaces aspartic acid 726 with asparagine.
Molecular consequence: missense variant.
Genome position (GRCh38, 1-based): chr1:11,974,800, G>A. VCF-style: chr1-11974800-G-A. GRCh37 (hg19) VCF-style: chr1-12034857-G-A.
Other names: c.2317G>A, p.Asp773Asn (NM_001316320.2); short protein forms D773N, D726N.
Identifiers: ClinVar variation 2626606 (VCV002626606.3), dbSNP rs774611185, ClinGen allele CA598695.
Genomic context (GRCh38, chr1:11,974,800, plus strand): 5'-CATTACCATGAGGGGCTCCCCACCACCAGGGGCACCCGCTACATCGCAGTCTCCTTCGTC[G>A]ATCCCTAATTGGCCAGGCCTGACCCTCTTGGACCTTTCTTCTTTGCCGACAACCACTGCC-3'
Protein context (NP_000293.2, residues 716-727): GTRYIAVSFV[Asp726Asn]P

ClinVar aggregate classification (germline): Uncertain significance. Review status: criteria provided, multiple submitters, no conflicts (2 of 4 stars). 2 submissions from 2 submitters: Uncertain significance (2). Last evaluated 2024-07-30.

Conditions:
Familial thoracic aortic aneurysm and aortic dissection (TAAD). Also called: Thoracic aortic aneurysms and dissections. Identifiers: Orphanet 91387, MedGen C4707243, MONDO:0019625.
Ehlers-Danlos syndrome, kyphoscoliotic type 1 (EDSKSCL1). Also called: Ehlers-Danlos syndrome, hydroxylysine-deficient; PLOD1-Related Kyphoscoliotic Ehlers-Danlos Syndrome; EHLERS-DANLOS SYNDROME, OCULAR-SCOLIOTIC TYPE; EHLERS-DANLOS SYNDROME, TYPE VIA. Identifiers: Orphanet 1900, MedGen C0268342, MONDO:0016002, OMIM 225400. Disease mechanism: loss of function.

Allele frequency attached by ClinVar (database versions not stated): TOPMed below 0.00001; gnomAD exomes 0.00001; ExAC 0.00002.
gnomAD v4.1: 10 of 1,614,078 alleles (0.00062%); highest among the groups gnomAD compares: East Asian, 0.0022%; no homozygotes.

Submissions (2):

Labcorp Genetics (formerly Invitae), Labcorp
Classification: Uncertain significance for Ehlers-Danlos syndrome, kyphoscoliotic type 1. Last evaluated: 2024-07-30. Review status: criteria provided, single submitter. Criteria: Invitae Variant Classification Sherloc (09022015). Collection method: clinical testing. Allele origin: germline.
Comment: This sequence change replaces aspartic acid, which is acidic and polar, with asparagine, which is neutral and polar, at codon 726 of the PLOD1 protein (p.Asp726Asn). This variant is present in population databases (rs774611185, gnomAD 0.006%). This variant has not been reported in the literature in individuals affected with PLOD1-related conditions. ClinVar contains an entry for this variant (Variation ID: 2626606). Advanced modeling of protein sequence and biophysical properties (such as structural, functional, and spatial information, amino acid conservation, physicochemical variation, residue mobility, and thermodynamic stability) performed at Invitae indicates that this missense variant is not expected to disrupt PLOD1 protein function with a negative predictive value of 80%. In summary, the available evidence is currently insufficient to determine the role of this variant in disease. Therefore, it has been classified as a Variant of Uncertain Significance.

Ambry Genetics
Classification: Uncertain significance for Familial thoracic aortic aneurysm and aortic dissection. Last evaluated: 2023-07-29. Review status: criteria provided, single submitter. Criteria: Ambry Variant Classification Scheme 2023. Collection method: clinical testing. Allele origin: germline.
Comment: The p.D726N variant (also known as c.2176G>A), located in coding exon 19 of the PLOD1 gene, results from a G to A substitution at nucleotide position 2176. The aspartic acid at codon 726 is replaced by asparagine, an amino acid with highly similar properties. This amino acid position is conserved. In addition, this alteration is predicted to be tolerated by in silico analysis. Since supporting evidence is limited at this time, the clinical significance of this alteration remains unclear.